The following is an entry in ClinVar:

NM_000018.4(ACADVL):c.139-20C>T

Gene: ACADVL (acyl-CoA dehydrogenase very long chain; plus strand). Cytogenetic location: 17p13.1.
Variant type: single nucleotide variant.
Coding change: c.139-20C>T on transcript NM_000018.4 (MANE Select); 20 bases into the intron before coding-DNA position 139, C replaced by T.
Molecular consequence: intron variant.
Genome position (GRCh38, 1-based): chr17:7,220,444, C>T. VCF-style: chr17-7220444-C-T. GRCh37 (hg19) VCF-style: chr17-7123763-C-T.
Other names: c.208-20C>T (NM_001270447.2); c.-90-20C>T (NM_001270448.2); c.139-160C>T (NM_001033859.3).
Identifiers: ClinVar variation 932883 (VCV000932883.12), dbSNP rs374535729, ClinGen allele CA8337568.

ClinVar aggregate classification (germline): Conflicting classifications of pathogenicity. Review status: criteria provided, conflicting classifications (1 of 4 stars). 3 submissions from 3 submitters: Uncertain significance (1); Likely benign (2). Last evaluated 2026-01-15.

Conditions:
Very long chain acyl-CoA dehydrogenase deficiency (ACADVLD). Also called: Very Long-Chain Acyl-Coenzyme A Dehydrogenase Deficiency; VLCAD Deficiency. Identifiers: Orphanet 26793, MedGen C3887523, MONDO:0008723, OMIM 201475.

Allele frequency attached by ClinVar (database versions not stated): ExAC 0.00003; gnomAD 0.00003 and 0.00004; gnomAD exomes 0.00006 and 0.00007; TOPMed 0.00008; ESP Exome Variant Server 0.00015.
gnomAD v4.1: 112 of 1,614,056 alleles (0.0069%); highest among the groups gnomAD compares: Non-Finnish European, 0.009%; no homozygotes.

Submissions (3):

Labcorp Genetics (formerly Invitae), Labcorp
Classification: Likely benign for Very long chain acyl-CoA dehydrogenase deficiency. Last evaluated: 2026-01-15. Review status: criteria provided, single submitter. Criteria: Invitae Variant Classification Sherloc (09022015). Collection method: clinical testing. Allele origin: germline.

Blueprint Genetics
Classification: Likely benign. Last evaluated: 2024-06-28. Review status: criteria provided, single submitter. Criteria: ACMG Guidelines, 2015. Collection method: clinical testing. Allele origin: germline.

Wong Mito Lab, Molecular and Human Genetics, Baylor College of Medicine
Classification: Uncertain significance for Very long chain acyl-CoA dehydrogenase deficiency. Last evaluated: 2019-11-01. Review status: criteria provided, single submitter. Criteria: ACMG Guidelines, 2015. Collection method: clinical testing. Allele origin: germline.
Comment: The NM_000018.3:c.139-20C>T (NP_000009.1:p.?) [GRCH38: NC_000017.11:g.7220444C>T] variant in ACADVL gene is interpretated to be Uncertain Significance based on ACMG guidelines (PMID: 25741868). This variant has been reported. This variant dose not meet any evidence codes reported in the ACMG guidelines.